The following is an entry in ClinVar:

NM_016292.3(TRAP1):c.1713C>T (p.Ala571=)

Genes: DNASE1 (deoxyribonuclease 1; plus strand), TRAP1 (TNF receptor associated protein 1; minus strand). Cytogenetic location: 16p13.3.
Variant type: single nucleotide variant.
Coding change: c.1713C>T on transcript NM_016292.3 (MANE Select); coding-DNA position 1713, C replaced by T.
Protein change: p.Ala571=; no amino-acid change (alanine 571 retained).
Molecular consequence: synonymous variant. On other transcripts: 3 prime UTR variant (1).
Genome position (GRCh38, 1-based): chr16:3,662,963, G>A on the plus strand (C>T on the coding strand, the complement: TRAP1 is on the minus strand). VCF-style: chr16-3662963-G-A. GRCh37 (hg19) VCF-style: chr16-3712964-G-A.
Other names: c.1554C>T, p.Ala518= (NM_001272049.2); c.*339G>A (NM_001387140.1).
Identifiers: ClinVar variation 2196491 (VCV002196491.20), dbSNP rs144965528, ClinGen allele CA7867914.

ClinVar aggregate classification (germline): Likely benign. Review status: criteria provided, multiple submitters, no conflicts (2 of 4 stars). 4 submissions from 4 submitters: Likely benign (4). Last evaluated 2026-03-11.

Conditions:
TRAP1-related disorder. Also called: TRAP1-related condition.

Allele frequency attached by ClinVar (database versions not stated): gnomAD 0.00036; TOPMed 0.00041; ESP Exome Variant Server 0.00054.
gnomAD v4.1: 827 of 1,608,764 alleles (0.051%); highest among the groups gnomAD compares: Middle Eastern, 0.099%; 3 homozygotes.

Submissions (4):

PreventionGenetics, part of Exact Sciences
Classification: Likely benign for TRAP1-related condition. Last evaluated: 2026-03-11. Review status: criteria provided, single submitter. Criteria: ACMG Guidelines, 2015. Collection method: clinical testing. Allele origin: germline.
Comment: This variant is classified as likely benign based on ACMG/AMP sequence variant interpretation guidelines (Richards et al. 2015 PMID: 25741868, with internal and published modifications).

Labcorp Genetics (formerly Invitae), Labcorp
Classification: Likely benign. Last evaluated: 2025-12-19. Review status: criteria provided, single submitter. Criteria: Invitae Variant Classification Sherloc (09022015). Collection method: clinical testing. Allele origin: germline.

Blueprint Genetics
Classification: Likely benign. Last evaluated: 2024-11-21. Review status: criteria provided, single submitter. Criteria: ACMG Guidelines, 2015. Collection method: clinical testing. Allele origin: germline.

CeGaT Center for Human Genetics Tuebingen
Classification: Likely benign. Last evaluated: 2024-08-01. Review status: criteria provided, single submitter. Criteria: CeGaT Center For Human Genetics Tuebingen Variant Classification Criteria Version 2. Collection method: clinical testing. Allele origin: germline. Affected: yes. Observed: 1 variant allele.
Comment: TRAP1: BP4, BP7